The following is an entry in ClinVar:

ClinVar aggregate classification (germline): Pathogenic (1 of 4 stars; one submission).

Submission:

Labcorp Genetics (formerly Invitae), Labcorp
Classification: Pathogenic. Last evaluated: 2021-01-19. Review status: criteria provided, single submitter. Criteria: Invitae Variant Classification Sherloc (09022015). Collection method: clinical testing. Allele origin: germline.
Comment: For these reasons, this variant has been classified as Pathogenic. This variant has not been reported in the literature in individuals with PHEX-related conditions. This variant is not present in population databases (ExAC no frequency). This sequence change creates a premature translational stop signal (p.Ile410Lysfs*13) in the PHEX gene. It is expected to result in an absent or disrupted protein product. Loss-of-function variants in PHEX are known to be pathogenic (PMID: 9097956, 9106524, 19219621).

Literature cited by the submitters: PubMed 9097956; PubMed 9106524; PubMed 19219621.

NM_000444.6(PHEX):c.1229_1232del (p.Ile410fs)

Gene: PHEX (phosphate regulating endopeptidase X-linked; plus strand). Cytogenetic location: Xp22.11.
Variant type: Deletion.
Coding change: c.1229_1232del on transcript NM_000444.6 (MANE Select); coding-DNA positions 1229 to 1232, 4 bases deleted (TTGA; older notation c.1229_1232delTTGA).
Protein change: p.Ile410fs; shifts the reading frame from isoleucine 410.
Molecular consequence: frameshift variant.
Genome position (GRCh38, 1-based): chrX:22,114,513-22,114,516, TTGA deleted; deleting any 4 consecutive bases within chrX:22,114,512-22,114,516 gives the same sequence; the c. name uses the placement nearest the transcript's 3' end. VCF-style (leftmost placement, unchanged base first): chrX-22114511-TATTG-T. GRCh37 (hg19) VCF-style: chrX-22132629-TATTG-T.
Other names: c.1229_1232del, p.Ile410fs (NM_001282754.2); short protein forms I410fs.
Identifiers: ClinVar variation 1458667 (VCV001458667.6), dbSNP rs2147065695, ClinGen allele CA2573158529.